The following is an entry in ClinVar:

NM_001257096.2(PAX1):c.527A>G (p.Asn176Ser)

Gene: PAX1 (paired box 1; plus strand). Cytogenetic location: 20p11.22.
Variant type: single nucleotide variant.
Coding change: c.527A>G on transcript NM_001257096.2 (MANE Select); coding-DNA position 527, A replaced by G.
Protein change: p.Asn176Ser; replaces asparagine 176 with serine.
Molecular consequence: missense variant.
Genome position (GRCh38, 1-based): chr20:21,706,678, A>G. VCF-style: chr20-21706678-A-G. GRCh37 (hg19) VCF-style: chr20-21687316-A-G.
Other names: c.527A>G, p.Asn176Ser (NM_006192.5); short protein forms N176S.
Identifiers: ClinVar variation 2184733 (VCV002184733.3), dbSNP rs747027543, ClinGen allele CA9786511.

ClinVar aggregate classification (germline): Uncertain significance (1 of 4 stars; one submission).

Allele frequency attached by ClinVar (database versions not stated): ExAC 0.00001; gnomAD exomes 0.00001; gnomAD 0.00003; TOPMed 0.00003.
gnomAD v4.1: 19 of 1,613,036 alleles (0.0012%); highest among the groups gnomAD compares: Middle Eastern, 0.016%; no homozygotes.

Submission:

Labcorp Genetics (formerly Invitae), Labcorp
Classification: Uncertain significance. Last evaluated: 2024-12-02. Review status: criteria provided, single submitter. Criteria: Invitae Variant Classification Sherloc (09022015). Collection method: clinical testing. Allele origin: germline.
Comment: This sequence change replaces asparagine, which is neutral and polar, with serine, which is neutral and polar, at codon 176 of the PAX1 protein (p.Asn176Ser). This variant is present in population databases (rs747027543, gnomAD 0.01%). This variant has not been reported in the literature in individuals affected with PAX1-related conditions. ClinVar contains an entry for this variant (Variation ID: 2184733). Invitae Evidence Modeling of protein sequence and biophysical properties (such as structural, functional, and spatial information, amino acid conservation, physicochemical variation, residue mobility, and thermodynamic stability) indicates that this missense variant is not expected to disrupt PAX1 protein function with a negative predictive value of 80%. In summary, the available evidence is currently insufficient to determine the role of this variant in disease. Therefore, it has been classified as a Variant of Uncertain Significance.